The following is an entry in ClinVar:

NM_007294.4(BRCA1):c.5503C>A (p.Arg1835=)

Gene: BRCA1 (BRCA1 DNA repair associated; minus strand). Cytogenetic location: 17q21.31.
Variant type: single nucleotide variant.
Coding change: c.5503C>A on transcript NM_007294.4 (MANE Select); coding-DNA position 5503, C replaced by A.
Protein change: p.Arg1835=; no amino-acid change (arginine 1835 retained).
Molecular consequence: synonymous variant. On other transcripts: 3 prime UTR variant (17).
Genome position (GRCh38, 1-based): chr17:43,045,767, G>T on the plus strand (C>A on the coding strand, the complement: BRCA1 is on the minus strand). VCF-style: chr17-43045767-G-T. GRCh37 (hg19) VCF-style: chr17-41197784-G-T.
Other names: c.5377C>A, p.Arg1793= (NM_001407679.1, NM_001407680.1, NM_001407670.1 and 8 more transcripts); c.5374C>A, p.Arg1792= (NM_001407681.1, NM_001407682.1, NM_001407683.1 and 6 more transcripts); c.5371C>A, p.Arg1791= (NM_001407690.1, NM_001407691.1); c.5362C>A, p.Arg1788= (NM_001407692.1, NM_001407694.1, NM_001407695.1 and 12 more transcripts); c.5359C>A, p.Arg1787= (NM_001407732.1, NM_001407733.1, NM_001407734.1 and 18 more transcripts); c.5356C>A, p.Arg1786= (NM_001407838.1, NM_001407839.1, NM_001407841.1 and 12 more transcripts); c.*17C>A (NM_001407854.1, NM_001407858.1, NM_001407859.1 and 14 more transcripts); c.5302C>A, p.Arg1768= (NM_001407862.1); and 74 more.
Identifiers: ClinVar variation 864944 (VCV000864944.5), dbSNP rs41293465, ClinGen allele CA500142913.
Genomic context (GRCh38, chr17:43,045,767, plus strand): 5'-TCAGGTAGGTGTCCAGCTCCTGGCACTGGTAGAGTGCTACACTGTCCAACACCCACTCTC[G>T]GGTCACCACAGGTGCCTCACACATCTGCCCAATTGCTGGAGACAGAGAACACAAGCAGAG-3'
Protein context (NP_009225.1, residues 1825-1845): GQMCEAPVVT[Arg1835=]EWVLDSVALY

ClinVar aggregate classification (germline): Likely benign (1 of 4 stars; one submission).

Conditions:
Hereditary breast ovarian cancer syndrome. Also called: Hereditary breast and/or ovarian cancer syndrome; BRCA1- and BRCA2-Associated Hereditary Breast and Ovarian Cancer; Hereditary breast and ovarian cancer syndrome; Hereditary breast and ovarian cancer; Hereditary breast and ovarian cancer syndrome (HBOC); Breast and ovarian cancer. Identifiers: Orphanet 145, MedGen C0677776, MeSH D061325, MONDO:0003582. Disease mechanism: loss of function.

Submissions (2):

Labcorp Genetics (formerly Invitae), Labcorp
Classification: Likely benign for Hereditary breast ovarian cancer syndrome. Last evaluated: 2024-10-07. Review status: criteria provided, single submitter. Criteria: Invitae Variant Classification Sherloc (09022015). Collection method: clinical testing. Allele origin: germline.

Brotman Baty Institute, University of Washington
No classification provided (evidence only). Condition: Breast-ovarian cancer, familial 1. Review status: no classification provided. Collection method: in vitro. Allele origin: not applicable. Functional consequence: functionally_normal. Not counted in ClinVar's aggregate classification.
ClinVar note: "not provided" was previously submitted as the classification for the variant. However, the classification appeared to be based only on an observation of functional data so it was converted to no classification on 2025-07-30.